The following is an entry in ClinVar:

ClinVar aggregate classification (germline): Likely benign. Review status: criteria provided, multiple submitters, no conflicts (2 of 4 stars). 3 submissions from 3 submitters: Likely benign (3). Last evaluated 2026-02-17.

Conditions:
DOLK-related disorder. Also called: DOLK-related condition.
DK1-congenital disorder of glycosylation. Also called: CDG Im; DK1 DEFICIENCY; DOLICHOL KINASE DEFICIENCY; DOLK-congenital disorder of glycosylation; Carbohydrate deficient glycoprotein syndrome type 1m; DK1-CDG. Identifiers: Orphanet 91131, MedGen C1835849, MONDO:0012556, OMIM 610768.
Cardiovascular phenotype. Identifiers: MedGen CN230736.

Allele frequency attached by ClinVar (database versions not stated): gnomAD exomes 0.00001 and 0.00003; ExAC 0.00004.

Submissions (3):

PreventionGenetics, part of Exact Sciences
Classification: Likely benign for DOLK-related condition. Last evaluated: 2026-02-17. Review status: criteria provided, single submitter. Criteria: ACMG Guidelines, 2015. Collection method: clinical testing. Allele origin: germline.
Comment: This variant is classified as likely benign based on ACMG/AMP sequence variant interpretation guidelines (Richards et al. 2015 PMID: 25741868, with internal and published modifications).

Labcorp Genetics (formerly Invitae), Labcorp
Classification: Likely benign for DK1-congenital disorder of glycosylation. Last evaluated: 2025-10-13. Review status: criteria provided, single submitter. Criteria: Invitae Variant Classification Sherloc (09022015). Collection method: clinical testing. Allele origin: germline.

Ambry Genetics
Classification: Likely benign for Cardiovascular phenotype. Last evaluated: 2019-04-28. Review status: criteria provided, single submitter. Criteria: Ambry Variant Classification Scheme 2023. Collection method: clinical testing. Allele origin: germline.

NM_014908.4(DOLK):c.819C>T (p.Pro273=)

Gene: DOLK (dolichol kinase; minus strand). Cytogenetic location: 9q34.11.
Variant type: single nucleotide variant.
Coding change: c.819C>T on transcript NM_014908.4 (MANE Select); coding-DNA position 819, C replaced by T.
Protein change: p.Pro273=; no amino-acid change (proline 273 retained).
Molecular consequence: synonymous variant.
Genome position (GRCh38, 1-based): chr9:128,946,485, G>A on the plus strand (C>T on the coding strand, the complement: DOLK is on the minus strand). VCF-style: chr9-128946485-G-A. GRCh37 (hg19) VCF-style: chr9-131708764-G-A.
Identifiers: ClinVar variation 1141909 (VCV001141909.12), dbSNP rs745508730, ClinGen allele CA5271685.